The following is an entry in ClinVar:

NM_138477.4(CDAN1):c.1757A>G (p.His586Arg)

Gene: CDAN1 (codanin 1; minus strand). Cytogenetic location: 15q15.2.
Variant type: single nucleotide variant.
Coding change: c.1757A>G on transcript NM_138477.4 (MANE Select); coding-DNA position 1757, A replaced by G.
Protein change: p.His586Arg; replaces histidine 586 with arginine.
Molecular consequence: missense variant.
Genome position (GRCh38, 1-based): chr15:42,731,314, T>C on the plus strand (A>G on the coding strand, the complement: CDAN1 is on the minus strand). VCF-style: chr15-42731314-T-C. GRCh37 (hg19) VCF-style: chr15-43023512-T-C.
Other names: short protein forms H586R.
Identifiers: ClinVar variation 4083291 (VCV004083291.1).

ClinVar aggregate classification (germline): Uncertain significance (1 of 4 stars; one submission).

gnomAD v4.1: 9 of 1,614,046 alleles (0.00056%); highest among the groups gnomAD compares: South Asian, 0.0088%; no homozygotes.

Submission:

GeneDx
Classification: Uncertain significance. Last evaluated: 2025-03-11. Review status: criteria provided, single submitter. Criteria: GeneDx Variant Classification Process June 2021. Collection method: clinical testing. Allele origin: germline. Affected: yes.
Comment: In silico analysis supports that this missense variant has a deleterious effect on protein structure/function; Has not been previously published as pathogenic or benign to our knowledge